The following is an entry in ClinVar:

ClinVar aggregate classification (germline): Uncertain significance (1 of 4 stars; one submission).

Conditions:
Hajdu-Cheney syndrome (HJCYS). Also called: Acroosteolysis dominant type; SERPENTINE FIBULA-POLYCYSTIC KIDNEY SYNDROME; ACROOSTEOLYSIS WITH OSTEOPOROSIS AND CHANGES IN SKULL AND MANDIBLE. Identifiers: Orphanet 955, MedGen C0917715, MONDO:0007057, OMIM 102500.

gnomAD v4.1: 8 of 1,612,550 alleles (0.0005%); highest among the groups gnomAD compares: Non-Finnish European, 0.00051%; no homozygotes.

Submission:

Labcorp Genetics (formerly Invitae), Labcorp
Classification: Uncertain significance for Hajdu-Cheney syndrome. Last evaluated: 2024-03-16. Review status: criteria provided, single submitter. Criteria: Invitae Variant Classification Sherloc (09022015). Collection method: clinical testing. Allele origin: germline.
Comment: This sequence change replaces alanine, which is neutral and non-polar, with glycine, which is neutral and non-polar, at codon 2079 of the NOTCH2 protein (p.Ala2079Gly). This variant is present in population databases (no rsID available, gnomAD 0.0009%). This variant has not been reported in the literature in individuals affected with NOTCH2-related conditions. Advanced modeling of protein sequence and biophysical properties (such as structural, functional, and spatial information, amino acid conservation, physicochemical variation, residue mobility, and thermodynamic stability) performed at Invitae indicates that this missense variant is not expected to disrupt NOTCH2 protein function with a negative predictive value of 80%. In summary, the available evidence is currently insufficient to determine the role of this variant in disease. Therefore, it has been classified as a Variant of Uncertain Significance.

NM_024408.4(NOTCH2):c.6236C>G (p.Ala2079Gly)

Gene: NOTCH2 (notch receptor 2; minus strand). Cytogenetic location: 1p12.
Variant type: single nucleotide variant.
Coding change: c.6236C>G on transcript NM_024408.4 (MANE Select); coding-DNA position 6236, C replaced by G.
Protein change: p.Ala2079Gly; replaces alanine 2079 with glycine.
Molecular consequence: missense variant.
Genome position (GRCh38, 1-based): chr1:119,916,486, G>C on the plus strand (C>G on the coding strand, the complement: NOTCH2 is on the minus strand). VCF-style: chr1-119916486-G-C. GRCh37 (hg19) VCF-style: chr1-120459109-G-C.
Other names: short protein forms A2079G.
Identifiers: ClinVar variation 3676111 (VCV003676111.2).
Genomic context (GRCh38, chr1:119,916,486, plus strand): 5'-ATTGGGGTGTGCTTCAGGCTGAGGAAAGATCTGTTGGGCCCACAGATGACAGGTGAGAGA[G>C]CAGAAGTCAACACGGTGCCTGGAGGGCTTGGGGTCACATTGTATTCATCCAGAAGGCGCA-3'
Protein context (NP_077719.2, residues 2069-2089): PSPPGTVLTS[Ala2079Gly]LSPVICGPNR